The following is an entry in ClinVar:

NM_000245.4(MET):c.1855A>T (p.Met619Leu)

Gene: MET (MET proto-oncogene, receptor tyrosine kinase; plus strand). Cytogenetic location: 7q31.2.
Variant type: single nucleotide variant.
Coding change: c.1855A>T on transcript NM_000245.4 (MANE Select); coding-DNA position 1855, A replaced by T.
Protein change: p.Met619Leu; replaces methionine 619 with leucine.
Molecular consequence: missense variant.
Genome position (GRCh38, 1-based): chr7:116,755,508, A>T. VCF-style: chr7-116755508-A-T. GRCh37 (hg19) VCF-style: chr7-116395562-A-T.
Other names: c.1855A>T, p.Met619Leu (NM_001127500.3, NM_001324401.3); c.565A>T, p.Met189Leu (NM_001324402.2); short protein forms M619L, M189L.
Identifiers: ClinVar variation 5024364 (VCV005024364.1).

ClinVar aggregate classification (germline): Uncertain significance (1 of 4 stars; one submission).

Conditions:
Hereditary cancer-predisposing syndrome. Also called: Neoplastic Syndromes, Hereditary; Tumor predisposition; Hereditary neoplastic syndrome; Hereditary Cancer Syndrome. Identifiers: Orphanet 140162, MedGen C0027672, MeSH D009386, MONDO:0015356.

Submission:

Ambry Genetics
Classification: Uncertain significance for Hereditary cancer-predisposing syndrome. Last evaluated: 2026-07-06. Review status: criteria provided, single submitter. Criteria: Ambry Variant Classification Scheme 2023. Collection method: clinical testing. Allele origin: germline.
Comment: The p.M619L variant (also known as c.1855A>T), located in coding exon 5 of the MET gene, results from an A to T substitution at nucleotide position 1855. The methionine at codon 619 is replaced by leucine, an amino acid with highly similar properties. This amino acid position is conserved. In addition, this alteration is predicted to be tolerated by in silico analysis. Based on the available evidence, the clinical significance of this variant remains unclear.